The following is an entry in ClinVar:

ClinVar aggregate classification (germline): Benign. Review status: criteria provided, single submitter (1 of 4 stars). 2 submissions from 2 submitters: Benign (1). 1 of the submissions does not count toward it. Last evaluated 2026-03-01.

Conditions:
ERBB3-related disorder. Also called: ERBB3-related condition.

Allele frequency attached by ClinVar (database versions not stated): ESP Exome Variant Server 0.00015; 1000 Genomes Project 30x 0.00141; 1000 Genomes Project 0.00180.
gnomAD v4.1: 2,979 of 1,614,178 alleles (0.18%); highest among the groups gnomAD compares: South Asian, 0.26%; 39 homozygotes.

Submissions (2):

CeGaT Center for Human Genetics Tuebingen
Classification: Benign. Last evaluated: 2026-03-01. Review status: criteria provided, single submitter. Criteria: CeGaT Center For Human Genetics Tuebingen Variant Classification Criteria Version 2. Collection method: clinical testing. Allele origin: germline. Affected: yes. Observed: 1 variant allele.
Comment: ERBB3: BS1, BS2

PreventionGenetics, part of Exact Sciences
Classification: Benign for ERBB3-related condition. Last evaluated: 2020-06-06. Review status: no assertion criteria provided. Collection method: clinical testing. Allele origin: germline. Not counted in ClinVar's aggregate classification.
Comment: This variant is classified as benign based on ACMG/AMP sequence variant interpretation guidelines (Richards et al. 2015 PMID: 25741868, with internal and published modifications).

NM_001982.4(ERBB3):c.2383C>G (p.Leu795Val)

Gene: ERBB3 (erb-b2 receptor tyrosine kinase 3; plus strand). Cytogenetic location: 12q13.2.
Variant type: single nucleotide variant.
Coding change: c.2383C>G on transcript NM_001982.4 (MANE Select); coding-DNA position 2383, C replaced by G.
Protein change: p.Leu795Val; replaces leucine 795 with valine.
Molecular consequence: missense variant.
Genome position (GRCh38, 1-based): chr12:56,097,153, C>G. VCF-style: chr12-56097153-C-G. GRCh37 (hg19) VCF-style: chr12-56490937-C-G.
Other names: short protein forms L795V.
Identifiers: ClinVar variation 3042580 (VCV003042580.6), dbSNP rs144510847, ClinGen allele CA6622590.